The following is an entry in ClinVar:

ClinVar aggregate classification (germline): Uncertain significance (1 of 4 stars; one submission).

Conditions:
Intellectual developmental disorder, autosomal recessive 5. Also called: Intellectual disability, autosomal recessive 5. Identifiers: Orphanet 88616, MedGen C1970199, MONDO:0012613, OMIM 611091.

Submission:

Broad Center for Mendelian Genomics, Broad Institute of MIT and Harvard
Classification: Uncertain significance for Intellectual developmental disorder, autosomal recessive 5. Last evaluated: 2023-05-02. Review status: criteria provided, single submitter. Criteria: ACMG Guidelines, 2015. Collection method: curation. Allele origin: germline. Inheritance: Autosomal recessive inheritance.
Comment: The p.Arg681GlufsTer15 variant in NSUN2 has not been previously reported in individuals with intellectual developmental disorder 5. This variant was absent from large population studies. This variant is predicted to cause a frameshift, which alters the protein‚Äôs amino acid sequence beginning at position 681 and leads to a premature termination codon 15 amino acids downstream. This termination codon occurs within the last exon and is more likely to escape nonsense mediated decay (NMD) and result in a truncated protein. Loss of function of the NSUN2 gene is strongly associated to autosomal recessive intellectual developmental disorder 5. In summary, the clinical significance of the p.Arg681GlufsTer15 variant is uncertain. ACMG/AMP Criteria applied: PVS1_Supporting, PM2_Supporting (Richards 2015).

NM_017755.6(NSUN2):c.2041_2059del (p.Arg681fs)

Gene: NSUN2 (NOP2/Sun RNA methyltransferase 2; minus strand). Cytogenetic location: 5p15.31.
Variant type: Deletion.
Coding change: c.2041_2059del on transcript NM_017755.6 (MANE Select); coding-DNA positions 2041 to 2059, 19 bases deleted (CGGGGAAAGGCCTCCATTC).
Protein change: p.Arg681fs; shifts the reading frame from arginine 681.
Molecular consequence: frameshift variant. On other transcripts: non-coding transcript variant (1).
Genome position (GRCh38, 1-based): chr5:6,600,171-6,600,189, GAATGGAGGCCTTTCCCCG deleted on the plus strand (CGGGGAAAGGCCTCCATTC on the coding strand, the reverse complement: NSUN2 is on the minus strand). VCF-style (leftmost placement, unchanged base first): chr5-6600170-CGAATGGAGGCCTTTCCCCG-C. GRCh37 (hg19) VCF-style: chr5-6600283-CGAATGGAGGCCTTTCCCCG-C.
Other names: NR_037947.2:n.2021_2039del; c.1936_1954del, p.Arg646fs (NM_001193455.2); short protein forms R646fs, R681fs.
Identifiers: ClinVar variation 2500908 (VCV002500908.1), dbSNP rs2477383167, ClinGen allele CA2573335112.